The following is an entry in ClinVar:

ClinVar aggregate classification (germline): Uncertain significance. Review status: criteria provided, multiple submitters, no conflicts (2 of 4 stars). 2 submissions from 2 submitters: Uncertain significance (2). Last evaluated 2025-03-17.

Conditions:
Genitopatellar syndrome (GTPTS). Also called: ABSENT PATELLAE, SCROTAL HYPOPLASIA, RENAL ANOMALIES, FACIAL DYSMORPHISM, AND MENTAL RETARDATION; Genitopatellar syndrome (GPS). Identifiers: Orphanet 85201, MedGen C1853566, MONDO:0011640, OMIM 606170.
Blepharophimosis - intellectual disability syndrome, SBBYS type (SBBYSS). Also called: Ohdo syndrome, SBBYS variant; SBBYSS syndrome; Say-Barber-Biesecker-Young-Simpson syndrome; Say-Barber-Biesecker-Young-Simpson variant of Ohdo Syndrome; Say-Barber-Biesecker Variant of Ohdo Syndrome; Say-Barber-Biesecker variant of Ohdo syndrome (SBBYSS). Identifiers: Orphanet 3047, MedGen C1863557, MONDO:0011365, OMIM 603736.

gnomAD v4.1: 38 of 1,613,816 alleles (0.0024%); highest among the groups gnomAD compares: East Asian, 0.0045%; no homozygotes.

Submissions (2):

Labcorp Genetics (formerly Invitae), Labcorp
Classification: Uncertain significance for Genitopatellar syndrome. Last evaluated: 2025-03-17. Review status: criteria provided, single submitter. Criteria: Invitae Variant Classification Sherloc (09022015). Collection method: clinical testing. Allele origin: germline.
Comment: This sequence change replaces asparagine, which is neutral and polar, with serine, which is neutral and polar, at codon 175 of the KAT6B protein (p.Asn175Ser). This variant is present in population databases (rs145911926, gnomAD 0.008%). This variant has not been reported in the literature in individuals affected with KAT6B-related conditions. ClinVar contains an entry for this variant (Variation ID: 3597360). Invitae Evidence Modeling of protein sequence and biophysical properties (such as structural, functional, and spatial information, amino acid conservation, physicochemical variation, residue mobility, and thermodynamic stability) indicates that this missense variant is not expected to disrupt KAT6B protein function with a negative predictive value of 80%. In summary, the available evidence is currently insufficient to determine the role of this variant in disease. Therefore, it has been classified as a Variant of Uncertain Significance.

Fulgent Genetics
Classification: Uncertain significance for Blepharophimosis - intellectual disability syndrome, SBBYS type; Genitopatellar syndrome. Last evaluated: 2024-03-21. Review status: criteria provided, single submitter. Criteria: ACMG Guidelines, 2015. Collection method: clinical testing. Allele origin: germline.

NM_012330.4(KAT6B):c.524A>G (p.Asn175Ser)

Gene: KAT6B (lysine acetyltransferase 6B; plus strand). Cytogenetic location: 10q22.2.
Variant type: single nucleotide variant.
Coding change: c.524A>G on transcript NM_012330.4 (MANE Select); coding-DNA position 524, A replaced by G.
Protein change: p.Asn175Ser; replaces asparagine 175 with serine.
Molecular consequence: missense variant. On other transcripts: 5 prime UTR variant (2).
Genome position (GRCh38, 1-based): chr10:74,843,381, A>G. VCF-style: chr10-74843381-A-G. GRCh37 (hg19) VCF-style: chr10-76603139-A-G.
Other names: c.524A>G, p.Asn175Ser (NM_001256468.2, NM_001256469.2, NM_001370132.1 and 10 more transcripts); c.-15A>G (NM_001370134.1, NM_001370135.1); short protein forms N175S.
Identifiers: ClinVar variation 3597360 (VCV003597360.2).